The following is an entry in ClinVar:

ClinVar aggregate classification (germline): Uncertain significance (1 of 4 stars; one submission).

Conditions:
Perlman syndrome (PRLMNS). Identifiers: Orphanet 2849, MedGen C0796113, MONDO:0009965, OMIM 267000.

Submission:

Labcorp Genetics (formerly Invitae), Labcorp
Classification: Uncertain significance for Perlman syndrome. Last evaluated: 2024-02-12. Review status: criteria provided, single submitter. Criteria: Invitae Variant Classification Sherloc (09022015). Collection method: clinical testing. Allele origin: germline.
Comment: This sequence change replaces aspartic acid, which is acidic and polar, with asparagine, which is neutral and polar, at codon 206 of the DIS3L2 protein (p.Asp206Asn). This variant is not present in population databases (gnomAD no frequency). This variant has not been reported in the literature in individuals affected with DIS3L2-related conditions. ClinVar contains an entry for this variant (Variation ID: 836861). Algorithms developed to predict the effect of missense changes on protein structure and function output the following: SIFT: "Not Available"; PolyPhen-2: "Benign"; Align-GVGD: "Not Available". The asparagine amino acid residue is found in multiple mammalian species, which suggests that this missense change does not adversely affect protein function. In summary, the available evidence is currently insufficient to determine the role of this variant in disease. Therefore, it has been classified as a Variant of Uncertain Significance.

NM_152383.5(DIS3L2):c.616G>A (p.Asp206Asn)

Gene: DIS3L2 (DIS3 like 3'-5' exoribonuclease 2; plus strand). Cytogenetic location: 2q37.1.
Variant type: single nucleotide variant.
Coding change: c.616G>A on transcript NM_152383.5 (MANE Select); coding-DNA position 616, G replaced by A.
Protein change: p.Asp206Asn; replaces aspartic acid 206 with asparagine.
Molecular consequence: missense variant. On other transcripts: non-coding transcript variant (2).
Genome position (GRCh38, 1-based): chr2:232,130,633, G>A. VCF-style: chr2-232130633-G-A. GRCh37 (hg19) VCF-style: chr2-232995343-G-A.
Other names: c.616G>A, p.Asp206Asn (NM_001257281.2, NM_001257282.2); short protein forms D206N.
Identifiers: ClinVar variation 836861 (VCV000836861.9), dbSNP rs1698187981, ClinGen allele CA351153110.
Genomic context (GRCh38, chr2:232,130,633, plus strand): 5'-GCATCTGGTTGATGACTCCTCTTCTCTCTTTATCTTTTTAATGTAGGAAGAGAGGATGGT[G>A]ATGCACCGGTTACAAAAGATGAGACCACCTGCATTTCACAAGACACAAGAGCTTTATCGG-3'
Protein context (NP_689596.4, residues 196-216): CVSEKGREDG[Asp206Asn]APVTKDETTC